The following is an entry in ClinVar:

ClinVar aggregate classification (germline): Uncertain significance (1 of 4 stars; one submission).

Allele frequency attached by ClinVar (database versions not stated): gnomAD exomes 0.00001 and 0.00004; gnomAD 0.00003 and 0.00004; TOPMed 0.00003; ExAC 0.00005.
gnomAD v4.1: 10 of 1,609,700 alleles (0.00062%); highest among the groups gnomAD compares: East Asian, 0.018%; no homozygotes.

Submission:

Labcorp Genetics (formerly Invitae), Labcorp
Classification: Uncertain significance. Last evaluated: 2021-12-03. Review status: criteria provided, single submitter. Criteria: Invitae Variant Classification Sherloc (09022015). Collection method: clinical testing. Allele origin: germline.
Comment: In summary, the available evidence is currently insufficient to determine the role of this variant in disease. Therefore, it has been classified as a Variant of Uncertain Significance. Algorithms developed to predict the effect of missense changes on protein structure and function are either unavailable or do not agree on the potential impact of this missense change (SIFT: "Deleterious"; PolyPhen-2: "Probably Damaging"; Align-GVGD: "Class C0"). This variant has not been reported in the literature in individuals affected with ASPM-related conditions. This variant is present in population databases (rs754886176, gnomAD 0.07%). This sequence change replaces tyrosine, which is neutral and polar, with cysteine, which is neutral and slightly polar, at codon 2965 of the ASPM protein (p.Tyr2965Cys).

NM_018136.5(ASPM):c.8894A>G (p.Tyr2965Cys)

Gene: ASPM (assembly factor for spindle microtubules; minus strand). Cytogenetic location: 1q31.3.
Variant type: single nucleotide variant.
Coding change: c.8894A>G on transcript NM_018136.5 (MANE Select); coding-DNA position 8894, A replaced by G.
Protein change: p.Tyr2965Cys; replaces tyrosine 2965 with cysteine.
Molecular consequence: missense variant.
Genome position (GRCh38, 1-based): chr1:197,096,091, T>C on the plus strand (A>G on the coding strand, the complement: ASPM is on the minus strand). VCF-style: chr1-197096091-T-C. GRCh37 (hg19) VCF-style: chr1-197065221-T-C.
Other names: c.4139A>G, p.Tyr1380Cys (NM_001206846.2); short protein forms Y2965C, Y1380C.
Identifiers: ClinVar variation 1512170 (VCV001512170.4), dbSNP rs754886176, ClinGen allele CA1309113.